The following is an entry in ClinVar:

ClinVar aggregate classification (germline): Uncertain significance. Review status: criteria provided, multiple submitters, no conflicts (2 of 4 stars). 10 submissions from 10 submitters: Uncertain significance (7). 3 of the submissions do not count toward it. Last evaluated 2026-07-17.

Conditions:
FECH-related disorder. Also called: FECH-related condition.
Protoporphyria, erythropoietic, 1 (EPP1). Also called: FERROCHELATASE DEFICIENCY; HEME SYNTHETASE DEFICIENCY; Erythropoietic Protoporphyria, Autosomal Recessive. Identifiers: Orphanet 79278, MedGen C4692546, MONDO:0008319, OMIM 177000.

Allele frequency attached by ClinVar (database versions not stated): 1000 Genomes Project 30x 0.00078; 1000 Genomes Project 0.00080; TOPMed 0.00094; gnomAD exomes 0.00104 and 0.00127; gnomAD 0.00108; ExAC 0.00109.
gnomAD v4.1: 1,994 of 1,602,630 alleles (0.12%); highest among the groups gnomAD compares: Middle Eastern, 0.56%; 1 homozygote.

Submissions (10):

PreventionGenetics, part of Exact Sciences
Classification: Uncertain significance for FECH-related condition. Last evaluated: 2026-07-17. Review status: criteria provided, single submitter. Criteria: ACMG Guidelines, 2015. Collection method: clinical testing. Allele origin: germline.
Comment: The FECH c.801G>A variant is predicted to result in the amino acid substitution p.Met267Ile. This variant was reported in the homozygous or compound heterozygous state in three individuals with erythropoietic protoporphyria (Lamoril et al 1991. PubMed ID: 1755842; Ventura et al. 2020. PubMed ID: 33021473; Gouya et al. 2005. PubMed ID: 16385445). A functional study shows this variant results in reduced function in heterodimers and complete loss of function in homodimers (Ohgari et al. 2004. PubMed ID: 15574461). This variant is reported in 0.17% of alleles in individuals of European (non-Finnish) descent in gnomAD and is consistently interpreted as uncertain in ClinVar (Variation ID: 549). At this time, the clinical significance of this variant is uncertain due to the absence of conclusive functional and genetic evidence.

GeneDx
Classification: Uncertain significance. Last evaluated: 2025-08-04. Review status: criteria provided, single submitter. Criteria: GeneDx Variant Classification Process June 2021. Collection method: clinical testing. Allele origin: germline. Affected: yes.
Comment: Reported in the published literature in association with erythropoietic protoporphyria (PMID: 33021473, 1755842); Functional studies show discordant results, with one study showing M267I with the same enzyme activity as wild type but a slighter higher thermolability than normal; and another study showing the enzyme activity of the homodimer M267I as not detectable, while the heterodimer of M267I and wild type had weaker enzyme activity when compared to wild type (PMID: 8276824, 15574461); In silico analysis suggests that this missense variant does not alter protein structure/function; This variant is associated with the following publications: (PMID: 8276824, 24123366, 15574461, 34426522, 33021473, 16385445, 1755842)

CeGaT Center for Human Genetics Tuebingen
Classification: Uncertain significance. Last evaluated: 2024-12-01. Review status: criteria provided, single submitter. Criteria: CeGaT Center For Human Genetics Tuebingen Variant Classification Criteria Version 2. Collection method: clinical testing. Allele origin: germline. Affected: yes. Observed: 1 variant allele.

Genomic Medicine Center of Excellence, King Faisal Specialist Hospital and Research Centre
Classification: Uncertain significance for Protoporphyria, erythropoietic, 1. Last evaluated: 2024-03-26. Review status: criteria provided, single submitter. Criteria: ACMG Guidelines, 2015. Collection method: clinical testing. Allele origin: germline.

Department of Pathology and Laboratory Medicine, Sinai Health System
Classification: Uncertain significance for Protoporphyria, erythropoietic, 1. Last evaluated: 2023-09-05. Review status: criteria provided, single submitter. Criteria: ACMG Guidelines, 2015. Collection method: research. Allele origin: germline.

Labcorp Genetics (formerly Invitae), Labcorp
Classification: Uncertain significance. Last evaluated: 2022-10-04. Review status: criteria provided, single submitter. Criteria: Invitae Variant Classification Sherloc (09022015). Collection method: clinical testing. Allele origin: germline.
Comment: This sequence change replaces methionine, which is neutral and non-polar, with isoleucine, which is neutral and non-polar, at codon 267 of the FECH protein (p.Met267Ile). This variant is present in population databases (rs118204037, gnomAD 0.2%). This missense change has been observed in individual(s) with erythropoietic protoporphyria (PMID: 1755842, 16385445, 29941360). ClinVar contains an entry for this variant (Variation ID: 549). Advanced modeling of protein sequence and biophysical properties (such as structural, functional, and spatial information, amino acid conservation, physicochemical variation, residue mobility, and thermodynamic stability) performed at Invitae indicates that this missense variant is not expected to disrupt FECH protein function. Experimental studies have shown that this missense change affects FECH function (PMID: 8276828, 15574461). In summary, the available evidence is currently insufficient to determine the role of this variant in disease. Therefore, it has been classified as a Variant of Uncertain Significance.

Mayo Clinic Laboratories, Mayo Clinic
Classification: Uncertain significance. Last evaluated: 2021-11-01. Review status: criteria provided, single submitter. Criteria: ACMG Guidelines, 2015. Collection method: clinical testing. Allele origin: germline.

OMIM
Classification: Pathogenic for PROTOPORPHYRIA, ERYTHROPOIETIC, 1. Last evaluated: 1991-12-16. Review status: no assertion criteria provided. Collection method: literature only. Allele origin: germline. Not counted in ClinVar's aggregate classification.

Clinical Genetics DNA and cytogenetics Diagnostics Lab, Erasmus MC, Erasmus Medical Center
Classification: Uncertain significance. Review status: no assertion criteria provided. Collection method: clinical testing. Allele origin: germline. Affected: yes. Study: VKGL Data-share Consensus. Not counted in ClinVar's aggregate classification.

Diagnostic Laboratory, Department of Genetics, University Medical Center Groningen
Classification: Uncertain significance. Review status: no assertion criteria provided. Collection method: clinical testing. Allele origin: germline. Affected: yes. Study: VKGL Data-share Consensus. Not counted in ClinVar's aggregate classification.

Literature cited by the submitters: PubMed 1755842 (cited by Labcorp Genetics (formerly Invitae), Labcorp and OMIM); PubMed 16385445 (cited by Labcorp Genetics (formerly Invitae), Labcorp); PubMed 29941360 (cited by Labcorp Genetics (formerly Invitae), Labcorp); PubMed 8276828 (cited by Labcorp Genetics (formerly Invitae), Labcorp); PubMed 15574461 (cited by Labcorp Genetics (formerly Invitae), Labcorp).

NM_000140.5(FECH):c.801G>A (p.Met267Ile)

Gene: FECH (ferrochelatase; minus strand). Cytogenetic location: 18q21.31.
Variant type: single nucleotide variant.
Coding change: c.801G>A on transcript NM_000140.5 (MANE Select); coding-DNA position 801, G replaced by A.
Protein change: p.Met267Ile; replaces methionine 267 with isoleucine.
Molecular consequence: missense variant. On other transcripts: intron variant (1).
Genome position (GRCh38, 1-based): chr18:57,559,148, C>T on the plus strand (G>A on the coding strand, the complement: FECH is on the minus strand). VCF-style: chr18-57559148-C-T. GRCh37 (hg19) VCF-style: chr18-55226380-C-T.
Other names: c.819G>A, p.Met273Ile (NM_001012515.4); c.585G>A, p.Met195Ile (NM_001371095.1); c.801G>A, p.Met267Ile (NM_001374778.1); c.705+3726G>A (NM_001371094.1); short protein forms M267I, M273I, M195I.
Identifiers: ClinVar variation 549 (VCV000000549.30), dbSNP rs118204037, ClinGen allele CA251505.